The following is an entry in ClinVar:

ClinVar aggregate classification (germline): Uncertain significance (1 of 4 stars; one submission).

Conditions:
Metachromatic leukodystrophy (MLD). Also called: SULFATIDE LIPIDOSIS; ARSA DEFICIENCY; CEREBROSIDE SULFATASE DEFICIENCY; METACHROMATIC LEUKOENCEPHALOPATHY; Cerebral sclerosis diffuse metachromatic form; Arylsulfatase A Deficiency. Identifiers: Orphanet 512, MedGen C0023522, MONDO:0018868, OMIM 250100.

Submission:

Myriad Genetics, Inc.
Classification: Uncertain significance for Metachromatic leukodystrophy. Last evaluated: 2026-05-28. Review status: criteria provided, single submitter. Criteria: Myriad Autosomal Dominant, Autosomal Recessive and X-Linked Classification Criteria (2023). Collection method: clinical testing. Allele origin: unknown.
Comment: NM_000487.5(ARSA):c.173G>A(G58E) is a missense variant classified as a variant of uncertain significance in the context of metachromatic leukodystrophy. G58E has been observed in a case with relevant disease (PMID: 31069529). Relevant functional assessments of this variant are not available in the literature. G58E has not been observed in referenced population frequency databases. In summary, there is insufficient evidence to classify NM_000487.5(ARSA):c.173G>A(G58E) as pathogenic or benign. Please note: this variant was assessed in the context of healthy population screening.

Literature cited by the submitters: PubMed 31069529.

NM_000487.6(ARSA):c.173G>A (p.Gly58Glu)

Gene: ARSA (arylsulfatase A; minus strand). Cytogenetic location: 22q13.33.
Variant type: single nucleotide variant.
Coding change: c.173G>A on transcript NM_000487.6 (MANE Select); coding-DNA position 173, G replaced by A.
Protein change: p.Gly58Glu; replaces glycine 58 with glutamic acid.
Molecular consequence: missense variant. On other transcripts: intron variant (2).
Genome position (GRCh38, 1-based): chr22:50,627,607, C>T on the plus strand (G>A on the coding strand, the complement: ARSA is on the minus strand). VCF-style: chr22-50627607-C-T. GRCh37 (hg19) VCF-style: chr22-51066035-C-T.
Other names: c.173G>A, p.Gly58Glu (NM_001085425.3, NM_001085426.3, NM_001085427.3); c.-34-201G>A (NM_001362782.2, NM_001085428.3); short protein forms G58E.
Identifiers: ClinVar variation 5003325 (VCV005003325.1).